The following is an entry in ClinVar:

ClinVar aggregate classification (germline): Uncertain significance (1 of 4 stars; one submission).

Conditions:
Familial thoracic aortic aneurysm and aortic dissection (TAAD). Also called: Thoracic aortic aneurysms and dissections. Identifiers: Orphanet 91387, MedGen C4707243, MONDO:0019625.

Submission:

Color Diagnostics, LLC DBA Color Health
Classification: Uncertain significance for Familial thoracic aortic aneurysm and aortic dissection. Last evaluated: 2020-10-13. Review status: criteria provided, single submitter. Criteria: ACMG Guidelines, 2015. Collection method: clinical testing. Allele origin: germline.
Comment: This variant causes an A to C nucleotide substitution at the +4 position of intron 50 of the FBN1 gene. To our knowledge, functional studies have not been reported for this variant. This variant has not been reported in individuals affected with cardiovascular disorders in the literature. This variant has not been identified in the general population by the Genome Aggregation Database (gnomAD). The available evidence is insufficient to determine the role of this variant in disease conclusively. Therefore, this variant is classified as a Variant of Uncertain Significance.

NM_000138.5(FBN1):c.6163+4A>C

Gene: FBN1 (fibrillin 1; minus strand). Cytogenetic location: 15q21.1.
Variant type: single nucleotide variant.
Coding change: c.6163+4A>C on transcript NM_000138.5 (MANE Select); 4 bases into the intron after coding-DNA position 6163, A replaced by C.
Molecular consequence: intron variant.
Genome position (GRCh38, 1-based): chr15:48,441,717, T>G on the plus strand (A>C on the coding strand, the complement: FBN1 is on the minus strand). VCF-style: chr15-48441717-T-G. GRCh37 (hg19) VCF-style: chr15-48733914-T-G.
Identifiers: ClinVar variation 1171352 (VCV001171352.2), dbSNP rs2141245330, ClinGen allele CA2499222977.